The following is an entry in ClinVar:

NM_003384.3(VRK1):c.375-8G>C

Gene: VRK1 (VRK serine/threonine kinase 1; plus strand). Cytogenetic location: 14q32.2.
Variant type: single nucleotide variant.
Coding change: c.375-8G>C on transcript NM_003384.3 (MANE Select); 8 bases into the intron before coding-DNA position 375, G replaced by C.
Molecular consequence: intron variant.
Genome position (GRCh38, 1-based): chr14:96,852,823, G>C. VCF-style: chr14-96852823-G-C. GRCh37 (hg19) VCF-style: chr14-97319160-G-C.
Other names: p.?.
Identifiers: ClinVar variation 315122 (VCV000315122.28), dbSNP rs191021502, ClinGen allele CA7338968.

ClinVar aggregate classification (germline): Benign. Review status: criteria provided, multiple submitters, no conflicts (2 of 4 stars). 10 submissions from 10 submitters: Benign (5). 5 of the submissions do not count toward it. Last evaluated 2026-03-01.

Conditions:
Congenital pontocerebellar hypoplasia type 1. Also called: Pontocerebellar hypoplasia type 1. Identifiers: Orphanet 2254, MedGen C5442006, MONDO:0016396.
Pontocerebellar hypoplasia type 1A (PCH1A). Also called: PONTOCEREBELLAR HYPOPLASIA WITH ANTERIOR HORN CELL DISEASE; PONTOCEREBELLAR HYPOPLASIA WITH INFANTILE SPINAL MUSCULAR ATROPHY. Identifiers: Orphanet 2254, Orphanet 88616, MedGen C1843504, MONDO:0011866, OMIM 607596.

Allele frequency attached by ClinVar (database versions not stated): gnomAD 0.00051 and 0.00091; TOPMed 0.00055; ESP Exome Variant Server 0.00069; gnomAD exomes 0.00188; ExAC 0.00216; 1000 Genomes Project 0.00240; 1000 Genomes Project 30x 0.00281.
gnomAD v4.1: 1,939 of 1,609,988 alleles (0.12%); highest among the groups gnomAD compares: South Asian, 1.1%; 16 homozygotes.

Submissions (10):

CeGaT Center for Human Genetics Tuebingen
Classification: Benign. Last evaluated: 2026-03-01. Review status: criteria provided, single submitter. Criteria: CeGaT Center For Human Genetics Tuebingen Variant Classification Criteria Version 2. Collection method: clinical testing. Allele origin: germline. Affected: yes. Observed: 1 variant allele.
Comment: VRK1: BP4, BS1, BS2

Labcorp Genetics (formerly Invitae), Labcorp
Classification: Benign for Pontocerebellar hypoplasia type 1A. Last evaluated: 2026-01-26. Review status: criteria provided, single submitter. Criteria: Invitae Variant Classification Sherloc (09022015). Collection method: clinical testing. Allele origin: germline.

Mayo Clinic Laboratories, Mayo Clinic
Classification: Benign. Last evaluated: 2025-01-28. Review status: criteria provided, single submitter. Criteria: ACMG Guidelines, 2015. Collection method: clinical testing. Allele origin: germline. Observed: 1 variant allele.
Comment: BS1, BS2, BP4, BP7

Illumina Laboratory Services, Illumina
Classification: Benign for Pontocerebellar hypoplasia type 1A. Last evaluated: 2018-01-12. Review status: criteria provided, single submitter. Criteria: ICSL Variant Classification Criteria 13 December 2019. Collection method: clinical testing. Allele origin: germline.
Comment: This variant was observed in the ICSL laboratory as part of a predisposition screen in an ostensibly healthy population. It had not been previously curated by ICSL or reported in the Human Gene Mutation Database (HGMD: prior to June 1st, 2018), and was therefore a candidate for classification through an automated scoring system. Utilizing variant allele frequency, disease prevalence and penetrance estimates, and inheritance mode, an automated score was calculated to assess if this variant is too frequent to cause the disease. Based on the score and internal cut-off values, a variant classified as benign is not then subjected to further curation. The score for this variant resulted in a classification of benign for this disease.

GeneDx
Classification: Benign. Last evaluated: 2016-10-10. Review status: criteria provided, single submitter. Criteria: GeneDx Variant Classification (06012015). Collection method: clinical testing. Allele origin: germline. Affected: yes.
Comment: This variant is considered likely benign or benign based on one or more of the following criteria: it is a conservative change, it occurs at a poorly conserved position in the protein, it is predicted to be benign by multiple in silico algorithms, and/or has population frequency not consistent with disease.

Natera, Inc.
Classification: Benign for Pontocerebellar hypoplasia type 1. Last evaluated: 2020-09-16. Review status: no assertion criteria provided. Collection method: clinical testing. Allele origin: germline. Not counted in ClinVar's aggregate classification.

Clinical Genetics DNA and cytogenetics Diagnostics Lab, Erasmus MC, Erasmus Medical Center
Classification: Benign. Review status: no assertion criteria provided. Collection method: clinical testing. Allele origin: germline. Affected: yes. Study: VKGL Data-share Consensus. Not counted in ClinVar's aggregate classification.

Clinical Genetics, Academic Medical Center
Classification: Benign. Review status: no assertion criteria provided. Collection method: clinical testing. Allele origin: germline. Affected: yes. Study: VKGL Data-share Consensus. Not counted in ClinVar's aggregate classification.

Genome Diagnostics Laboratory, University Medical Center Utrecht
Classification: Likely benign. Review status: no assertion criteria provided. Collection method: clinical testing. Allele origin: germline. Affected: yes. Study: VKGL Data-share Consensus. Not counted in ClinVar's aggregate classification.

Laboratory of Diagnostic Genome Analysis, Leiden University Medical Center (LUMC)
Classification: Likely benign. Review status: no assertion criteria provided. Collection method: clinical testing. Allele origin: germline. Affected: yes. Study: VKGL Data-share Consensus. Not counted in ClinVar's aggregate classification.